The following is an entry in ClinVar:

ClinVar aggregate classification (germline): Benign. Review status: criteria provided, multiple submitters, no conflicts (2 of 4 stars). 2 submissions from 2 submitters: Benign (2). Last evaluated 2018-06-14.

Allele frequency attached by ClinVar (database versions not stated): gnomAD 0.09097 and 0.10132; TOPMed 0.09777; 1000 Genomes Project 30x 0.18082; 1000 Genomes Project 0.18850.
gnomAD v4.1: 15,342 of 152,252 alleles (10%); highest among the groups gnomAD compares: East Asian, 42%; 1,244 homozygotes.

Submissions (2):

GeneDx
Classification: Benign. Last evaluated: 2018-06-14. Review status: criteria provided, single submitter. Criteria: GeneDx Variant Classification (06012015). Collection method: clinical testing. Allele origin: germline. Affected: yes.
Comment: This variant is considered likely benign or benign based on one or more of the following criteria: it is a conservative change, it occurs at a poorly conserved position in the protein, it is predicted to be benign by multiple in silico algorithms, and/or has population frequency not consistent with disease.

Breakthrough Genomics
Classification: Benign. Review status: criteria provided, single submitter. Criteria: ACMG Guidelines, 2015. Collection method: not provided. Allele origin: germline. Inheritance: Autosomal recessive inheritance. Affected: yes.

NM_024120.5(NDUFAF5):c.264-173T>C

Genes: NDUFAF5 (NADH:ubiquinone oxidoreductase complex assembly factor 5; plus strand), LOC130065434 (ATAC-STARR-seq lymphoblastoid silent region 12680; plus strand). Cytogenetic location: 20p12.1.
Variant type: single nucleotide variant.
Coding change: c.264-173T>C on transcript NM_024120.5 (MANE Select); 173 bases into the intron before coding-DNA position 264, T replaced by C.
Molecular consequence: intron variant.
Genome position (GRCh38, 1-based): chr20:13,788,416, T>C. VCF-style: chr20-13788416-T-C. GRCh37 (hg19) VCF-style: chr20-13769062-T-C.
Other names: c.-298-173T>C (NM_001352407.2); c.-318-173T>C (NM_001352406.2); c.264-173T>C (NM_001039375.3, NM_001352408.2); c.-104-173T>C (NM_001352403.2).
Identifiers: ClinVar variation 669697 (VCV000669697.2), dbSNP rs73612314, ClinGen allele CA14814235.